The following is an entry in ClinVar:

NM_024422.6(DSC2):c.302C>G (p.Thr101Ser)

Gene: DSC2 (desmocollin 2; minus strand). Cytogenetic location: 18q12.1.
Variant type: single nucleotide variant.
Coding change: c.302C>G on transcript NM_024422.6 (MANE Select); coding-DNA position 302, C replaced by G.
Protein change: p.Thr101Ser; replaces threonine 101 with serine.
Molecular consequence: missense variant. On other transcripts: 5 prime UTR variant (2).
Genome position (GRCh38, 1-based): chr18:31,092,153, G>C on the plus strand (C>G on the coding strand, the complement: DSC2 is on the minus strand). VCF-style: chr18-31092153-G-C. GRCh37 (hg19) VCF-style: chr18-28672116-G-C.
Other names: c.-128C>G (NM_001406506.1, NM_001406507.1); c.302C>G, p.Thr101Ser (NM_004949.5); short protein forms T101S.
Identifiers: ClinVar variation 3386554 (VCV003386554.1).

ClinVar aggregate classification (germline): Uncertain significance (1 of 4 stars; one submission).

Conditions:
Familial isolated arrhythmogenic right ventricular dysplasia. Identifiers: Orphanet 217656, MedGen C4274968, MONDO:0016342.

Submission:

All of Us Research Program, National Institutes of Health
Classification: Uncertain significance for Familial isolated arrhythmogenic right ventricular dysplasia. Last evaluated: 2024-04-25. Review status: criteria provided, single submitter. Criteria: ACMG Guidelines, 2015. Collection method: clinical testing. Allele origin: germline. Inheritance: Autosomal dominant inheritance. Observed: 1 variant allele, 1 heterozygote.
Comment: This missense variant replaces threonine with serine at codon 101 of the DSC2 protein. Computational prediction suggests that this variant may not impact protein structure and function (internally defined REVEL score threshold <= 0.5, PMID: 27666373). To our knowledge, functional studies have not been reported for this variant. This variant has not been reported in individuals affected with DSC2-related disorders in the literature. This variant has not been identified in the general population by the Genome Aggregation Database (gnomAD). The available evidence is insufficient to determine the role of this variant in disease conclusively. Therefore, this variant is classified as a Variant of Uncertain Significance.

This study involves interpretation of variants in research participants for the purpose of population health screening. Participant phenotype was not available at the time of variant classification. Additional details can be found in publication PMID: 35346344, PMCID: PMC8962531